The following is an entry in ClinVar:

NM_012414.4(RAB3GAP2):c.*1130A>G

Gene: RAB3GAP2 (RAB3 GTPase activating non-catalytic protein subunit 2; minus strand). Cytogenetic location: 1q41.
Variant type: single nucleotide variant.
Coding change: c.*1130A>G on transcript NM_012414.4 (MANE Select); 1130 bases downstream of the stop codon, A replaced by G.
Molecular consequence: 3 prime UTR variant.
Genome position (GRCh38, 1-based): chr1:220,150,121, T>C on the plus strand (A>G on the coding strand, the complement: RAB3GAP2 is on the minus strand). VCF-style: chr1-220150121-T-C. GRCh37 (hg19) VCF-style: chr1-220323463-T-C.
Identifiers: ClinVar variation 295629 (VCV000295629.5), dbSNP rs548918189, ClinGen allele CA10609310.
Genomic context (GRCh38, chr1:220,150,121, plus strand): 5'-AGCTCAAAGCACTCTTTTACAGAGTTTTGGTTAGTTTGGTTTTTTCTTTTTTTTTTTTTT[T>C]TCGAGACAGGGTCTTGCTATATTGCCCAGAATGGCCTCAAACTCCTGGGCTCAAGCGATC-3'

ClinVar aggregate classification (germline): Benign. Review status: criteria provided, single submitter (1 of 4 stars). 2 submissions from 1 submitter: Benign (2). Last evaluated 2018-01-13.

Conditions:
Warburg micro syndrome 2 (WARBM2). Also called: MICRO SYNDROME 2. Identifiers: Orphanet 2510, MedGen C3280214, MONDO:0013641, OMIM 614225.
Martsolf syndrome (MARTS). Also called: Congenital cataract with intellectual disability and hypogonadotropic hypogonadism syndrome. Identifiers: Orphanet 1387, MedGen C0796037, MONDO:0023910.

Allele frequency attached by ClinVar (database versions not stated): gnomAD 0.00800 and 0.00835; TOPMed 0.00837; 1000 Genomes Project 30x 0.01093; 1000 Genomes Project 0.01238.

Submissions (2):

Illumina Laboratory Services, Illumina
Classification: Benign for Martsolf syndrome 1. Last evaluated: 2018-01-13. Review status: criteria provided, single submitter. Criteria: ICSL Variant Classification Criteria 13 December 2019. Collection method: clinical testing. Allele origin: germline.
Comment: This variant was observed in the ICSL laboratory as part of a predisposition screen in an ostensibly healthy population. It had not been previously curated by ICSL or reported in the Human Gene Mutation Database (HGMD: prior to June 1st, 2018), and was therefore a candidate for classification through an automated scoring system. Utilizing variant allele frequency, disease prevalence and penetrance estimates, and inheritance mode, an automated score was calculated to assess if this variant is too frequent to cause the disease. Based on the score and internal cut-off values, a variant classified as benign is not then subjected to further curation. The score for this variant resulted in a classification of benign for this disease.

Illumina Laboratory Services, Illumina
Classification: Benign for Warburg micro syndrome 2. Last evaluated: 2018-01-13. Review status: criteria provided, single submitter. Criteria: ICSL Variant Classification Criteria 13 December 2019. Collection method: clinical testing. Allele origin: germline.
Comment: the same text as in the submission from Illumina Laboratory Services, Illumina above.